The following is an entry in ClinVar:

ClinVar aggregate classification (germline): Uncertain significance (1 of 4 stars; one submission).

Submission:

Women's Health and Genetics/Laboratory Corporation of America, LabCorp
Classification: Uncertain significance. Last evaluated: 2025-06-10. Review status: criteria provided, single submitter. Criteria: LabCorp Variant Classification Summary - May 2015. Collection method: clinical testing. Allele origin: germline.
Comment: Variant summary: ACTG1 c.-6-9delT is located in the untranslated mRNA region upstream of the initiation codon. The variant allele was found at a frequency of 4e-06 in 251252 control chromosomes. The available data on variant occurrences in the general population are insufficient to allow any conclusion about variant significance. To our knowledge, no occurrence of c.-6-9delT in individuals affected with ACTG1-Related Disorders and no experimental evidence demonstrating its impact on protein function have been reported. No submitters have cited clinical-significance assessments for this variant to ClinVar. Based on the evidence outlined above, the variant was classified as uncertain significance.

NM_001614.5(ACTG1):c.-6-9del

Gene: ACTG1 (actin gamma 1; minus strand). Cytogenetic location: 17q25.3.
Variant type: Deletion.
Coding change: c.-6-9del on transcript NM_001614.5 (MANE Select); 9 bases into the intron before 6 bases upstream of the start codon, one base deleted (T; older notation c.-6-9delT).
Molecular consequence: intron variant.
Genome position (GRCh38, 1-based): chr17:81,512,369, A deleted on the plus strand (T on the coding strand, the reverse complement: ACTG1 is on the minus strand); the first of 4 consecutive A bases (chr17:81,512,369-81,512,372); deleting any one gives the same sequence. VCF-style (leftmost placement, unchanged base first): chr17-81512368-GA-G. GRCh37 (hg19) VCF-style: chr17-79479394-GA-G.
Other names: c.-6-9del (NM_001199954.3); c.-6-9delT (NM_001614.5).
Identifiers: ClinVar variation 3907228 (VCV003907228.1).